The following is an entry in ClinVar:

ClinVar aggregate classification (germline): Benign (0 of 4 stars; one submission).

Conditions:
CFAP251-related disorder. Also called: CFAP251-related condition.

Allele frequency attached by ClinVar (database versions not stated): ESP Exome Variant Server 0.22494; TOPMed 0.23975; gnomAD 0.24765; 1000 Genomes Project 30x 0.26780; 1000 Genomes Project 0.27796; gnomAD exomes 0.30042; ExAC 0.31835.
gnomAD v4.1: 477,260 of 1,613,982 alleles (30%); highest among the groups gnomAD compares: East Asian, 48%; 75,055 homozygotes.

Submission:

PreventionGenetics, part of Exact Sciences
Classification: Benign for CFAP251-related condition. Last evaluated: 2019-10-18. Review status: no assertion criteria provided. Collection method: clinical testing. Allele origin: germline.
Comment: This variant is classified as benign based on ACMG/AMP sequence variant interpretation guidelines (Richards et al. 2015 PMID: 25741868, with internal and published modifications).

NM_144668.6(CFAP251):c.1948C>T (p.Leu650Phe)

Gene: CFAP251 (cilia and flagella associated protein 251; plus strand). Cytogenetic location: 12q24.31.
Variant type: single nucleotide variant.
Coding change: c.1948C>T on transcript NM_144668.6 (MANE Select); coding-DNA position 1948, C replaced by T.
Protein change: p.Leu650Phe; replaces leucine 650 with phenylalanine.
Molecular consequence: missense variant.
Genome position (GRCh38, 1-based): chr12:121,958,489, C>T. VCF-style: chr12-121958489-C-T. GRCh37 (hg19) VCF-style: chr12-122396395-C-T.
Other names: c.1948C>T, p.Leu650Phe (NM_001178003.2); short protein forms L650F.
Identifiers: ClinVar variation 3060236 (VCV003060236.2), dbSNP rs17852561, ClinGen allele CA6840726.